The following is an entry in ClinVar:

ClinVar aggregate classification (germline): Pathogenic/Likely pathogenic. Review status: criteria provided, multiple submitters, no conflicts (2 of 4 stars). 2 submissions from 2 submitters: Pathogenic (1); Likely pathogenic (1). Last evaluated 2024-05-08.

Conditions:
Sandhoff disease. Also called: GM2-GANGLIOSIDOSIS, TYPE II; HEXOSAMINIDASES A AND B DEFICIENCY; Beta-hexosaminidase-beta-subunit deficiency; GM2 gangliosidosis, type 2; Total hexosaminidase deficiency; Sandhoff-Jatzkewitz-Pilz disease. Identifiers: Orphanet 796, MedGen C0036161, MONDO:0010006, OMIM 268800.

Submissions (2):

Myriad Genetics, Inc.
Classification: Pathogenic for Sandhoff disease. Last evaluated: 2024-05-08. Review status: criteria provided, single submitter. Criteria: Myriad Autosomal Dominant, Autosomal Recessive and X-Linked Classification Criteria (2023). Collection method: clinical testing. Allele origin: unknown.
Comment: NM_000521.3(HEXB):c.447T>A(Y149*) is expected to be pathogenic in the context of Sandhoff disease. This variant is predicted to lead to an abnormal or absent protein product due to the creation of a premature termination codon in HEXB, a gene where loss-of-function variants are known to be pathogenic. Please note: this variant was assessed in the context of healthy population screening.

Laboratorio de Genetica e Diagnostico Molecular, Hospital Israelita Albert Einstein
Classification: Likely pathogenic for Sandhoff disease. Last evaluated: 2021-09-25. Review status: criteria provided, single submitter. Criteria: ACMG Guidelines, 2015. Collection method: clinical testing. Allele origin: germline. Affected: yes.
Comment: ACMG classification criteria: PVS1 very strong, PM2 moderate

NM_000521.4(HEXB):c.447T>A (p.Tyr149Ter)

Gene: HEXB (hexosaminidase subunit beta; plus strand). Cytogenetic location: 5q13.3.
Variant type: single nucleotide variant.
Coding change: c.447T>A on transcript NM_000521.4 (MANE Select); coding-DNA position 447, T replaced by A.
Protein change: p.Tyr149Ter; replaces tyrosine 149 with a stop codon.
Molecular consequence: nonsense. On other transcripts: 5 prime UTR variant (1).
Genome position (GRCh38, 1-based): chr5:74,693,640, T>A. VCF-style: chr5-74693640-T-A. GRCh37 (hg19) VCF-style: chr5-73989465-T-A.
Other names: c.-229T>A (NM_001292004.2); short protein forms Y149*.
Identifiers: ClinVar variation 1683511 (VCV001683511.3), dbSNP rs1319123888, ClinGen allele CA360063405.